The following is an entry in ClinVar:

ClinVar aggregate classification (germline): Uncertain significance. Review status: reviewed by expert panel (3 of 4 stars). 2 submissions from 2 submitters: Uncertain significance (1). 1 of the submissions does not count toward it. Last evaluated 2025-01-15.

Conditions:
Hereditary thrombocytopenia and hematologic cancer predisposition syndrome. Identifiers: Orphanet 71290, MedGen CN281654, MONDO:0011071.
Hereditary thrombocytopenia and hematological cancer predisposition syndrome associated with RUNX1. Also called: PLATELET DISORDER, ASPIRIN-LIKE; Familial Platelet Disorder with Propensity to Acute Myelogenous Leukemia; Familial thrombocytopenia with propensity to acute myelogenous leukemia; RUNX1 Familial Platelet Disorder with Associated Myeloid Malignancies. Identifiers: Orphanet 71290, MedGen C1832388, MeSH C563324, MONDO:0100083, OMIM 601399.

Submissions (2):

ClinGen Myeloid Malignancy Variant Curation Expert Panel
Classification: Uncertain significance for Hereditary thrombocytopenia and hematologic cancer predisposition syndrome. Last evaluated: 2025-01-15. Review status: reviewed by expert panel. Criteria: ClinGen MyeloMalig ACMG Specifications v2. Collection method: curation. Allele origin: germline. Inheritance: Autosomal dominant inheritance.
Comment: NM_001754.5(RUNX1):c.186C>G (p.Asp62Glu) is a missense variant which has a REVEL score < 0.50 (0.31) and a SpliceAI score ≤ 0.20 (0.02) (BP4). This variant is completely absent from all population databases with at least 20x coverage for RUNX1 (PM2_Supporting). In summary, the clinical significance of this variant is uncertain. ACMG/AMP criteria applied, as specified by the Myeloid Malignancy Variant Curation Expert Panel for RUNX1: BP4, PM2_supporting.

Labcorp Genetics (formerly Invitae), Labcorp
Classification: Uncertain significance for Hereditary thrombocytopenia and hematological cancer predisposition syndrome associated with RUNX1. Last evaluated: 2020-03-12. Review status: criteria provided, single submitter. Criteria: Invitae Variant Classification Sherloc (09022015). Collection method: clinical testing. Allele origin: germline. Not counted in ClinVar's aggregate classification.
Comment: In summary, the available evidence is currently insufficient to determine the role of this variant in disease. Therefore, it has been classified as a Variant of Uncertain Significance. Algorithms developed to predict the effect of missense changes on protein structure and function output the following: SIFT: "Tolerated"; PolyPhen-2: "Benign"; Align-GVGD: "Class C0". The glutamic acid amino acid residue is found in multiple mammalian species, suggesting that this missense change does not adversely affect protein function. These predictions have not been confirmed by published functional studies and their clinical significance is uncertain. This variant has not been reported in the literature in individuals with RUNX1-related conditions. This variant is not present in population databases (ExAC no frequency). This sequence change replaces aspartic acid with glutamic acid at codon 62 of the RUNX1 protein (p.Asp62Glu). The aspartic acid residue is weakly conserved and there is a small physicochemical difference between aspartic acid and glutamic acid.

NM_001754.5(RUNX1):c.186C>G (p.Asp62Glu)

Gene: RUNX1 (RUNX family transcription factor 1; minus strand). Cytogenetic location: 21q22.12.
Variant type: single nucleotide variant.
Coding change: c.186C>G on transcript NM_001754.5 (MANE Select); coding-DNA position 186, C replaced by G.
Protein change: p.Asp62Glu; replaces aspartic acid 62 with glutamic acid.
Molecular consequence: missense variant.
Genome position (GRCh38, 1-based): chr21:34,887,008, G>C on the plus strand (C>G on the coding strand, the complement: RUNX1 is on the minus strand). VCF-style: chr21-34887008-G-C. GRCh37 (hg19) VCF-style: chr21-36259305-G-C.
Other names: NM_001754.5(RUNX1):c.186C>G; p.Asp62Glu; c.105C>G, p.Asp35Glu (NM_001001890.3, NM_001122607.2); short protein forms D35E, D62E.
Identifiers: ClinVar variation 1039682 (VCV001039682.9), dbSNP rs886450546, ClinGen allele CA410203974.